The following is an entry in ClinVar:

ClinVar aggregate classification (germline): Likely benign. Review status: criteria provided, multiple submitters, no conflicts (2 of 4 stars). 2 submissions from 2 submitters: Likely benign (2). Last evaluated 2025-12-01.

Allele frequency attached by ClinVar (database versions not stated): ExAC 0.00005; gnomAD 0.00006; gnomAD exomes 0.00006 and 0.00007; TOPMed 0.00007.
gnomAD v4.1: 113 of 1,613,306 alleles (0.007%); highest among the groups gnomAD compares: Middle Eastern, 0.018%; no homozygotes.

Submissions (2):

CeGaT Center for Human Genetics Tuebingen
Classification: Likely benign. Last evaluated: 2025-12-01. Review status: criteria provided, single submitter. Criteria: CeGaT Center For Human Genetics Tuebingen Variant Classification Criteria Version 2. Collection method: clinical testing. Allele origin: germline. Affected: yes. Observed: 2 variant alleles.
Comment: MAP1B: BP4, BP7

Labcorp Genetics (formerly Invitae), Labcorp
Classification: Likely benign. Last evaluated: 2018-01-08. Review status: criteria provided, single submitter. Criteria: Invitae Variant Classification Sherloc (09022015). Collection method: clinical testing. Allele origin: germline.

NM_005909.5(MAP1B):c.2787A>G (p.Glu929=)

Gene: MAP1B (microtubule associated protein 1B; plus strand). Cytogenetic location: 5q13.2.
Variant type: single nucleotide variant.
Coding change: c.2787A>G on transcript NM_005909.5 (MANE Select); coding-DNA position 2787, A replaced by G.
Protein change: p.Glu929=; no amino-acid change (glutamic acid 929 retained).
Molecular consequence: synonymous variant.
Genome position (GRCh38, 1-based): chr5:72,196,142, A>G. VCF-style: chr5-72196142-A-G. GRCh37 (hg19) VCF-style: chr5-71491969-A-G.
Other names: c.2409A>G, p.Glu803= (NM_001324255.2).
Identifiers: ClinVar variation 733431 (VCV000733431.27), dbSNP rs759773230, ClinGen allele CA3298889.